The following is an entry in ClinVar:

ClinVar aggregate classification (germline): Uncertain significance (1 of 4 stars; one submission).

Conditions:
Joubert syndrome. Also called: JOUBERT-BOLTSHAUSER SYNDROME; Familial aplasia of the vermis. Identifiers: Orphanet 475, MedGen C5979921, MONDO:0018772.
Meckel-Gruber syndrome. Also called: DYSENCEPHALIA SPLANCHNOCYSTICA; GRUBER SYNDROME; Dysencephalia splachnocystica. Identifiers: Orphanet 564, MedGen C0265215, MONDO:0018921.

Allele frequency attached by ClinVar (database versions not stated): TOPMed 0.00001; gnomAD exomes 0.00002; ExAC 0.00004.
gnomAD v4.1: 27 of 1,612,760 alleles (0.0017%); highest among the groups gnomAD compares: South Asian, 0.03%; 2 homozygotes.

Submission:

Labcorp Genetics (formerly Invitae), Labcorp
Classification: Uncertain significance for Joubert syndrome; Meckel-Gruber syndrome. Last evaluated: 2022-08-08. Review status: criteria provided, single submitter. Criteria: Invitae Variant Classification Sherloc (09022015). Collection method: clinical testing. Allele origin: germline.
Comment: This sequence change replaces serine, which is neutral and polar, with asparagine, which is neutral and polar, at codon 1414 of the CC2D2A protein (p.Ser1414Asn). This variant is present in population databases (rs747781887, gnomAD 0.02%). This variant has not been reported in the literature in individuals affected with CC2D2A-related conditions. Advanced modeling of protein sequence and biophysical properties (such as structural, functional, and spatial information, amino acid conservation, physicochemical variation, residue mobility, and thermodynamic stability) performed at Invitae indicates that this missense variant is expected to disrupt CC2D2A protein function. In summary, the available evidence is currently insufficient to determine the role of this variant in disease. Therefore, it has been classified as a Variant of Uncertain Significance.

NM_001378615.1(CC2D2A):c.4241G>A (p.Ser1414Asn)

Genes: CC2D2A (coiled-coil and C2 domain containing 2A; plus strand), FBXL5 (F-box and leucine rich repeat protein 5; minus strand). Cytogenetic location: 4p15.32.
Variant type: single nucleotide variant.
Coding change: c.4241G>A on transcript NM_001378615.1 (MANE Select); coding-DNA position 4241, G replaced by A.
Protein change: p.Ser1414Asn; replaces serine 1414 with asparagine.
Molecular consequence: missense variant.
Genome position (GRCh38, 1-based): chr4:15,589,606, G>A. VCF-style: chr4-15589606-G-A. GRCh37 (hg19) VCF-style: chr4-15591229-G-A.
Other names: c.4241G>A, p.Ser1414Asn (NM_001080522.2); c.4094G>A, p.Ser1365Asn (NM_001378617.1); short protein forms S1414N, S1365N.
Identifiers: ClinVar variation 2161708 (VCV002161708.1), dbSNP rs747781887, ClinGen allele CA2864359.